The following is an entry in ClinVar:

ClinVar aggregate classification (germline): Pathogenic. Review status: criteria provided, multiple submitters, no conflicts (2 of 4 stars). 2 submissions from 2 submitters: Pathogenic (2). Last evaluated 2019-07-01.

Conditions:
DICER1-related tumor predisposition. Also called: DICER1 syndrome; DICER1-related pleuropulmonary blastoma cancer predisposition syndrome. Identifiers: Orphanet 284343, MedGen C3839822, MONDO:0100216.

Submissions (2):

Foulkes Cancer Genetics LDI, Lady Davis Institute for Medical Research
Classification: Pathogenic for Pleuropulmonary blastoma. Last evaluated: 2019-07-01. Review status: criteria provided, single submitter. Criteria: ACMG Guidelines, 2015. Collection method: curation. Allele origin: germline. Affected: yes. Observed: 1 variant allele.
Comment: ACMG criteria met: PVS1, PM1, PP4

International Pleuropulmonary Blastoma Registry, Children's Hospitals and Clinics of Minnesota
Classification: Pathogenic for Pleuropulmonary blastoma. Last evaluated: 2014-11-10. Review status: criteria provided, single submitter. Criteria: Hill et al. (Science. 2009). Collection method: clinical testing. Allele origin: germline. Affected: yes. Study: PPB-DICER1 Genetic study.

Literature cited by the submitters: PubMed 26925222 (cited by Foulkes Cancer Genetics LDI, Lady Davis Institute for Medical Research and International Pleuropulmonary Blastoma Registry, Children's Hospitals and Clinics of Minnesota).

NM_177438.3(DICER1):c.5096-498_5364+356del

Gene: DICER1 (dicer 1, ribonuclease III; minus strand). Cytogenetic location: 14q32.13.
Variant type: Deletion.
Coding change: c.5096-498_5364+356del on transcript NM_177438.3 (MANE Select); 498 bases into the intron before coding-DNA position 5096 through 356 bases into the intron after coding-DNA position 5364, 1,123 bases deleted.
Molecular consequence: splice acceptor variant, splice donor variant.
Genome position (GRCh38, 1-based): chr14:95,093,532-95,094,654, 1,123 bases deleted. GRCh37 (hg19): chr14:95,559,870-95,560,992.
Other names: exon 24 deletion; c.5096-498_5364+356del (NM_001291628.2, NM_030621.4, NM_001271282.3 and 1 more transcripts).
Identifiers: ClinVar variation 254343 (VCV000254343.4), ClinGen allele CA10586402.